The following is an entry in ClinVar:

NM_000209.4(PDX1):c.110A>T (p.Tyr37Phe)

Gene: PDX1 (pancreatic and duodenal homeobox 1; plus strand). Cytogenetic location: 13q12.2.
Variant type: single nucleotide variant.
Coding change: c.110A>T on transcript NM_000209.4 (MANE Select); coding-DNA position 110, A replaced by T.
Protein change: p.Tyr37Phe; replaces tyrosine 37 with phenylalanine.
Molecular consequence: missense variant.
Genome position (GRCh38, 1-based): chr13:27,920,248, A>T. VCF-style: chr13-27920248-A-T. GRCh37 (hg19) VCF-style: chr13-28494385-A-T.
Other names: short protein forms Y37F.
Identifiers: ClinVar variation 804927 (VCV000804927.2), dbSNP rs1242190304, ClinGen allele CA387643864.

ClinVar aggregate classification (germline): Uncertain significance. Review status: criteria provided, multiple submitters, no conflicts (2 of 4 stars). 2 submissions from 2 submitters: Uncertain significance (2). Last evaluated 2022-10-02.

Allele frequency attached by ClinVar (database versions not stated): gnomAD exomes 0.00001; TOPMed 0.00001.

Submissions (2):

Women's Health and Genetics/Laboratory Corporation of America, LabCorp
Classification: Uncertain significance. Last evaluated: 2022-10-02. Review status: criteria provided, single submitter. Criteria: LabCorp Variant Classification Summary - May 2015. Collection method: clinical testing. Allele origin: germline.
Comment: Variant summary: PDX1 c.110A>T (p.Tyr37Phe) results in a conservative amino acid change in the encoded protein sequence. Three of five in-silico tools predict a damaging effect of the variant on protein function. The variant allele was found at a frequency of 7.3e-06 in 137784 control chromosomes (gnomAD). The available data on variant occurrences in the general population are insufficient to allow any conclusion about variant significance. To our knowledge, no occurrence of c.110A>T in individuals affected with Familial Monogenic Diabetes (Maturity Onset Diabetes Of The Young 4)/Neonatal Diabetes Mellitus and no experimental evidence demonstrating its impact on protein function have been reported. One ClinVar submitter has assessed the variant since 2014: the variant was classified as uncertain significance. Based on the evidence outlined above, the variant was classified as uncertain significance.

Athena Diagnostics
Classification: Uncertain significance. Last evaluated: 2019-05-06. Review status: criteria provided, single submitter. Criteria: Athena Diagnostics Criteria. Collection method: clinical testing. Allele origin: germline.

Literature cited by the submitters: PubMed 10390156 (cited by Athena Diagnostics).